The following continues an entry in ClinVar:

NM_172107.4(KCNQ2):c.821C>T (p.Thr274Met)

Gene: KCNQ2. ClinVar aggregate classification (germline): Pathogenic/Likely pathogenic. Pathogenic (12); Likely pathogenic (1).

Submissions 16 to 23 of 23:

Channelopathy-Associated Epilepsy Research Center
No classification provided (evidence only). Condition: Complex neurodevelopmental disorder. Review status: no classification provided. Collection method: literature only. Allele origin: not applicable. Functional consequence: Severe decrease in peak current, Severe slowing of activation, Mild depolarizing shift of voltage dependence of activation. Not counted in ClinVar's aggregate classification.
ClinVar note: "not provided" was previously submitted as the classification for the variant. However, the classification appeared to be based only on an observation of functional data so it was converted to no classification on 2025-07-30.

Channelopathy-Associated Epilepsy Research Center
No classification provided (evidence only). Review status: no classification provided. Collection method: in vitro. Allele origin: not applicable. Functional consequence: Decrease in peak current. Not counted in ClinVar's aggregate classification.

Channelopathy-Associated Epilepsy Research Center
No classification provided (evidence only). Review status: no classification provided. Collection method: in vitro. Allele origin: not applicable. Functional consequence: Decrease in peak current. Not counted in ClinVar's aggregate classification.

Channelopathy-Associated Epilepsy Research Center
No classification provided (evidence only). Review status: no classification provided. Collection method: in vitro. Allele origin: not applicable. Functional consequence: Depolarizing shift of voltage dependence of activation. Not counted in ClinVar's aggregate classification.

Channelopathy-Associated Epilepsy Research Center
No classification provided (evidence only). Review status: no classification provided. Collection method: in vitro. Allele origin: not applicable. Functional consequence: Increase in slope of activation. Not counted in ClinVar's aggregate classification.

Channelopathy-Associated Epilepsy Research Center
No classification provided (evidence only). Review status: no classification provided. Collection method: in vitro. Allele origin: not applicable. Functional consequence: Slowing of activation. Not counted in ClinVar's aggregate classification.

GeneReviews
No classification provided. Condition: Developmental and epileptic encephalopathy, 7. Review status: no classification provided. Collection method: literature only. Allele origin: germline. Affected: yes. Not counted in ClinVar's aggregate classification.
Comment: EE (epileptic encephalopathy)

NeuroMeGen, Hospital Clinico Santiago de Compostela
Classification: Pathogenic for Developmental and epileptic encephalopathy, 7. Review status: no assertion criteria provided. Criteria: ACMG Guidelines, 2015. Collection method: clinical testing. Allele origin: de novo. Affected: yes. Not counted in ClinVar's aggregate classification.

Literature cited by the submitters: PubMed 22275249 (cited by 5 submitters); PubMed 27535030 (cited by 3 submitters); PubMed 27779742 (cited by 3 submitters); PubMed 28133863 (cited by 3 submitters); PubMed 24318194 (cited by 5 submitters); PubMed 33336127 (cited by Pittsburgh Clinical Genomics Laboratory, University of Pittsburgh Medical Center); PubMed 34711204 (cited by Pittsburgh Clinical Genomics Laboratory, University of Pittsburgh Medical Center); PubMed 2753503 (cited by Pittsburgh Clinical Genomics Laboratory, University of Pittsburgh Medical Center); PubMed 30776697 (cited by Pittsburgh Clinical Genomics Laboratory, University of Pittsburgh Medical Center); PubMed 31780880 (cited by Pittsburgh Clinical Genomics Laboratory, University of Pittsburgh Medical Center); PubMed 25959266 (cited by Athena Diagnostics and GeneReviews); PubMed 23692823 (cited by Athena Diagnostics and GeneReviews); PubMed 27602407 (cited by Athena Diagnostics); PubMed 35104249 (cited by Channelopathy-Associated Epilepsy Research Center); NCBI Bookshelf NBK32534 (cited by GeneReviews).